The following is an entry in ClinVar:

NM_001276270.2(MBD4):c.661G>C (p.Asp221His)

Gene: MBD4 (methyl-CpG binding domain 4, DNA glycosylase; minus strand). Cytogenetic location: 3q21.3.
Variant type: single nucleotide variant.
Coding change: c.661G>C on transcript NM_001276270.2 (MANE Select); coding-DNA position 661, G replaced by C.
Protein change: p.Asp221His; replaces aspartic acid 221 with histidine.
Molecular consequence: missense variant. On other transcripts: intron variant (1).
Genome position (GRCh38, 1-based): chr3:129,436,983, C>G on the plus strand (G>C on the coding strand, the complement: MBD4 is on the minus strand). VCF-style: chr3-129436983-C-G. GRCh37 (hg19) VCF-style: chr3-129155826-C-G.
Other names: c.661G>C, p.Asp221His (NM_001276271.2, NM_001276272.2, NM_003925.3); c.247+825G>C (NM_001276273.2); short protein forms D221H.
Identifiers: ClinVar variation 4052206 (VCV004052206.1).
Genomic context (GRCh38, chr3:129,436,983, plus strand): 5'-TTCCTTTCAAAATAGTCACCTTTCCTTTGGGCTTTCTAACCTTTCTGAAGTTAACATCAT[C>G]AACACCCTCATCTTCTTTCAAAAGCAAATGAGTGGAAGTAAAGTTAGAGAGTCCTCTGCT-3'
Protein context (NP_001263199.1, residues 211-231): HLLLKEDEGV[Asp221His]DVNFRKVRKP

ClinVar aggregate classification (germline): Uncertain significance (1 of 4 stars; one submission).

Conditions:
Inborn genetic diseases. Identifiers: MedGen C0950123, MeSH D030342.

Submission:

Ambry Genetics
Classification: Uncertain significance for Inborn genetic diseases. Last evaluated: 2025-04-17. Review status: criteria provided, single submitter. Criteria: Ambry Variant Classification Scheme 2023. Collection method: clinical testing. Allele origin: germline.
Comment: The p.D221H variant (also known as c.661G>C), located in coding exon 3 of the MBD4 gene, results from a G to C substitution at nucleotide position 661. The aspartic acid at codon 221 is replaced by histidine, an amino acid with similar properties. This amino acid position is conserved. In addition, this alteration is predicted to be tolerated by in silico analysis. Based on the available evidence, the clinical significance of this variant remains unclear.